The following is an entry in ClinVar:

NM_001353345.2(SETD1B):c.4108C>G (p.Leu1370Val)

Gene: SETD1B (SET domain containing 1B, histone lysine methyltransferase; plus strand). Cytogenetic location: 12q24.31.
Variant type: single nucleotide variant.
Coding change: c.4108C>G on transcript NM_001353345.2 (MANE Select); coding-DNA position 4108, C replaced by G.
Protein change: p.Leu1370Val; replaces leucine 1370 with valine.
Molecular consequence: missense variant.
Genome position (GRCh38, 1-based): chr12:121,822,687, C>G. VCF-style: chr12-121822687-C-G. GRCh37 (hg19) VCF-style: chr12-122260593-C-G.
Other names: short protein forms L1370V.
Identifiers: ClinVar variation 2499777 (VCV002499777.1), dbSNP rs913507820, ClinGen allele CA386998350.

ClinVar aggregate classification (germline): Uncertain significance (1 of 4 stars; one submission).

Submission:

GeneDx
Classification: Uncertain significance. Last evaluated: 2022-10-21. Review status: criteria provided, single submitter. Criteria: GeneDx Variant Classification Process June 2021. Collection method: clinical testing. Allele origin: germline. Affected: yes.
Comment: Not observed at significant frequency in large population cohorts (gnomAD); In silico analysis supports that this missense variant does not alter protein structure/function; Has not been previously published as pathogenic or benign to our knowledge